The following is an entry in ClinVar:

ClinVar aggregate classification (germline): Uncertain significance. Review status: criteria provided, multiple submitters, no conflicts (2 of 4 stars). 2 submissions from 2 submitters: Uncertain significance (2). Last evaluated 2024-09-02.

Conditions:
Progressive sclerosing poliodystrophy (MTDPS4A). Also called: NEURONAL DEGENERATION OF CHILDHOOD WITH LIVER DISEASE, PROGRESSIVE; Alpers Syndrome; ALPERS DIFFUSE DEGENERATION OF CEREBRAL GRAY MATTER WITH HEPATIC CIRRHOSIS; Alpers-Huttenlocher Syndrome; Mitochondrial DNA depletion syndrome 4A (Alpers type); Mitochondrial DNA Depletion Syndrome 4A. Identifiers: Orphanet 726, MedGen C0205710, MONDO:0008758, OMIM 203700.

Submissions (2):

Labcorp Genetics (formerly Invitae), Labcorp
Classification: Uncertain significance for Progressive sclerosing poliodystrophy. Last evaluated: 2024-09-02. Review status: criteria provided, single submitter. Criteria: Invitae Variant Classification Sherloc (09022015). Collection method: clinical testing. Allele origin: germline.
Comment: This sequence change replaces arginine, which is basic and polar, with proline, which is neutral and non-polar, at codon 1234 of the POLG protein (p.Arg1234Pro). This variant is not present in population databases (gnomAD no frequency). This variant has not been reported in the literature in individuals affected with POLG-related conditions. ClinVar contains an entry for this variant (Variation ID: 1338879). Invitae Evidence Modeling of protein sequence and biophysical properties (such as structural, functional, and spatial information, amino acid conservation, physicochemical variation, residue mobility, and thermodynamic stability) indicates that this missense variant is not expected to disrupt POLG protein function with a negative predictive value of 95%. In summary, the available evidence is currently insufficient to determine the role of this variant in disease. Therefore, it has been classified as a Variant of Uncertain Significance.

GeneDx
Classification: Uncertain significance. Last evaluated: 2022-12-30. Review status: criteria provided, single submitter. Criteria: GeneDx Variant Classification Process June 2021. Collection method: clinical testing. Allele origin: germline. Affected: yes.
Comment: Not observed at significant frequency in large population cohorts (gnomAD); In silico analysis supports that this missense variant does not alter protein structure/function; Has not been previously published as pathogenic or benign to our knowledge

NM_002693.3(POLG):c.3701G>C (p.Arg1234Pro)

Genes: FANCI (FA complementation group I; plus strand), POLG (DNA polymerase gamma, catalytic subunit; minus strand). Cytogenetic location: 15q26.1.
Variant type: single nucleotide variant.
Coding change: c.3701G>C on transcript NM_002693.3 (MANE Select); coding-DNA position 3701, G replaced by C.
Protein change: p.Arg1234Pro; replaces arginine 1234 with proline.
Molecular consequence: missense variant. On other transcripts: 3 prime UTR variant (4).
Genome position (GRCh38, 1-based): chr15:89,316,770, C>G on the plus strand (G>C on the coding strand, the complement: POLG is on the minus strand). VCF-style: chr15-89316770-C-G. GRCh37 (hg19) VCF-style: chr15-89860001-C-G.
Other names: c.3701G>C, p.Arg1234Pro (NM_001126131.2); c.*311C>G (NM_001113378.2, NM_001376910.1, NM_001376911.1 and 1 more transcripts); short protein forms R1234P.
Identifiers: ClinVar variation 1338879 (VCV001338879.10), dbSNP rs750792237, ClinGen allele CA393746841.